The following is an entry in ClinVar:

ClinVar aggregate classification (germline): Uncertain significance (1 of 4 stars; one submission).

Conditions:
TPM2-related disorder. Also called: TPM2-related condition; TPM2-related disorders.

Submission:

PreventionGenetics, part of Exact Sciences
Classification: Uncertain significance for TPM2-related condition. Last evaluated: 2023-10-09. Review status: criteria provided, single submitter. Criteria: ACMG Guidelines, 2015. Collection method: clinical testing. Allele origin: germline.
Comment: The TPM2 c.62_63insGG variant is predicted to result in a frameshift and premature protein termination (p.Glu23Profs*29). To our knowledge, this variant has not been reported in the literature or in a large population database, indicating this variant is rare. Nonsense variants are reported to be pathogenic; however, to our knowledge, no truncating variants have been reported upstream of this variant. Although we suspect that this variant may be pathogenic, at this time, the clinical significance of this variant is uncertain due to the absence of conclusive functional and genetic evidence.

NM_003289.4(TPM2):c.62_63insGG (p.Glu23fs)

Gene: TPM2 (tropomyosin 2; minus strand). Cytogenetic location: 9p13.3.
Variant type: Insertion.
Coding change: c.62_63insGG on transcript NM_003289.4 (MANE Select); coding-DNA positions 62 to 63, GG inserted.
Protein change: p.Glu23fs; shifts the reading frame from glutamic acid 23.
Molecular consequence: frameshift variant.
Genome position: GRCh38 VCF-style: chr9-35689755-G-GCC. GRCh37 (hg19) VCF-style: chr9-35689752-G-GCC.
Other names: c.62_63insGG (NM_003289.3); c.62_63insGG, p.Glu23fs (NM_001301226.2, NM_001301227.2, NM_213674.1); short protein forms E23fs.
Identifiers: ClinVar variation 2634029 (VCV002634029.1), dbSNP rs2490704266, ClinGen allele CA2695201578.